The following is an entry in ClinVar:

ClinVar aggregate classification (germline): Likely benign (1 of 4 stars; one submission).

Submission:

GeneDx
Classification: Likely benign. Last evaluated: 2017-10-25. Review status: criteria provided, single submitter. Criteria: GeneDx Variant Classification (06012015). Collection method: clinical testing. Allele origin: germline. Affected: yes.
Comment: This variant is considered likely benign or benign based on one or more of the following criteria: it is a conservative change, it occurs at a poorly conserved position in the protein, it is predicted to be benign by multiple in silico algorithms, and/or has population frequency not consistent with disease.

NM_000252.3(MTM1):c.405G>A (p.Glu135=)

Gene: MTM1 (myotubularin 1; plus strand). Cytogenetic location: Xq28.
Variant type: single nucleotide variant.
Coding change: c.405G>A on transcript NM_000252.3 (MANE Select); coding-DNA position 405, G replaced by A.
Protein change: p.Glu135=; no amino-acid change (glutamic acid 135 retained).
Molecular consequence: synonymous variant.
Genome position (GRCh38, 1-based): chrX:150,619,100, G>A. VCF-style: chrX-150619100-G-A. GRCh37 (hg19) VCF-style: chrX-149787573-G-A.
Other names: c.405G>A, p.Glu135= (NM_001376906.1, NM_001376908.1); c.294G>A, p.Glu98= (NM_001376907.1).
Identifiers: ClinVar variation 512792 (VCV000512792.1), dbSNP rs1557413212, ClinGen allele CA519111191.